The following is an entry in ClinVar:

ClinVar aggregate classification (germline): Likely pathogenic. Review status: criteria provided, multiple submitters, no conflicts (2 of 4 stars). 2 submissions from 2 submitters: Likely pathogenic (2). Last evaluated 2024-07-19.

Conditions:
Cardiovascular phenotype. Identifiers: MedGen CN230736.
Dilated cardiomyopathy 1G (CMD1G). Identifiers: Orphanet 154, MedGen C1858763, MONDO:0011400, OMIM 604145.
Autosomal recessive limb-girdle muscular dystrophy type 2J (LGMDR10). Also called: Limb-girdle muscular dystrophy, type 2J; MUSCULAR DYSTROPHY, LIMB-GIRDLE, AUTOSOMAL RECESSIVE 10. Identifiers: Orphanet 140922, MedGen C1837342, MONDO:0012127, OMIM 608807.

Submissions (2):

Ambry Genetics
Classification: Likely pathogenic for Cardiovascular phenotype. Last evaluated: 2024-07-19. Review status: criteria provided, single submitter. Criteria: Ambry Variant Classification Scheme 2023. Collection method: clinical testing. Allele origin: germline.
Comment: The c.48546delC variant, located in coding exon 153 of the TTN gene, results from a deletion of one nucleotide at nucleotide position 48546, causing a translational frameshift with a predicted alternate stop codon (p.S16183Afs*3). This exon is located in the A-band region of the N2-B isoform of the titin protein and is constitutively expressed in TTN transcripts (percent spliced in or PSI 100%). This variant is considered to be rare based on population cohorts in the Genome Aggregation Database (gnomAD). This alteration is expected to result in loss of function by premature protein truncation or nonsense-mediated mRNA decay. While truncating variants in TTN are present in 1-3% of the general population, truncating variants in the A-band are the most common cause of dilated cardiomyopathy (DCM) (Herman DS et al. N. Engl. J. Med., 2012 Feb;366:619-28; Roberts AM et al. Sci Transl Med, 2015 Jan;7:270ra6). TTN truncating variants encoded in constitutive exons (PSI >90%) have been found to be significantly associated with DCM regardless of their position in titin (Schafer S et al. Nat. Genet., 2017 01;49:46-53). Based on the majority of available evidence to date, this variant is likely to be pathogenic.

Labcorp Genetics (formerly Invitae), Labcorp
Classification: Likely pathogenic for Dilated cardiomyopathy 1G; Autosomal recessive limb-girdle muscular dystrophy type 2J. Last evaluated: 2022-08-20. Review status: criteria provided, single submitter. Criteria: Invitae Variant Classification Sherloc (09022015). Collection method: clinical testing. Allele origin: germline.
Comment: This variant is not present in population databases (gnomAD no frequency). This sequence change creates a premature translational stop signal (p.Ser25248Alafs*3) in the TTN gene. While this is not anticipated to result in nonsense mediated decay, it is expected to create a truncated TTN protein. This variant has not been reported in the literature in individuals affected with TTN-related conditions. In summary, the currently available evidence indicates that the variant is pathogenic, but additional data are needed to prove that conclusively. Therefore, this variant has been classified as Likely Pathogenic. This variant is located in the A band of TTN (PMID: 25589632). Truncating variants in this region are significantly overrepresented in patients affected with dilated cardiomyopathy (PMID: 25589632). Truncating variants in this region have also been reported in individuals affected with autosomal recessive centronuclear myopathy (PMID: 23975875).

Literature cited by the submitters: PubMed 25589632 (cited by Labcorp Genetics (formerly Invitae), Labcorp); PubMed 23975875 (cited by Labcorp Genetics (formerly Invitae), Labcorp).

NM_001267550.2(TTN):c.75741del (p.Ser25248fs)

Genes: TTN-AS1 (TTN antisense RNA 1; plus strand), TTN (titin; minus strand). Cytogenetic location: 2q31.2.
Variant type: Deletion.
Coding change: c.75741del on transcript NM_001267550.2 (MANE Select); coding-DNA position 75741, one base deleted (C; older notation c.75741delC).
Protein change: p.Ser25248fs; shifts the reading frame from serine 25248.
Molecular consequence: frameshift variant.
Genome position (GRCh38, 1-based): chr2:178,570,391, G deleted on the plus strand (C on the coding strand, the reverse complement: TTN is on the minus strand); the first of 2 consecutive G bases (chr2:178,570,391-178,570,392); deleting either gives the same sequence. VCF-style (leftmost placement, unchanged base first): chr2-178570390-TG-T. GRCh37 (hg19) VCF-style: chr2-179435117-TG-T.
Other names: c.70818del, p.Ser23607fs (NM_001256850.1); c.48546del, p.Ser16183fs (NM_003319.4); c.68037del, p.Ser22680fs (NM_133378.4); c.48921del, p.Ser16308fs (NM_133432.3); c.49122del, p.Ser16375fs (NM_133437.4); c.48546delC (NM_003319.4); short protein forms S16375fs, S22680fs, S25248fs, S23607fs, S16183fs, S16308fs.
Identifiers: ClinVar variation 2025115 (VCV002025115.5), dbSNP rs2468449263, ClinGen allele CA2580064591.